The following is an entry in ClinVar:

ClinVar aggregate classification (germline): Uncertain significance (1 of 4 stars; one submission).

Submission:

GeneDx
Classification: Uncertain significance. Last evaluated: 2022-03-30. Review status: criteria provided, single submitter. Criteria: GeneDx Variant Classification Process June 2021. Collection method: clinical testing. Allele origin: germline. Affected: yes.
Comment: Not observed at significant frequency in large population cohorts (gnomAD); In silico analysis supports that this missense variant has a deleterious effect on protein structure/function; Has not been previously published as pathogenic or benign to our knowledge

NM_001122955.4(BSCL2):c.773C>G (p.Pro258Arg)

Genes: BSCL2 (BSCL2 lipid droplet biogenesis associated, seipin; minus strand), HNRNPUL2-BSCL2 (HNRNPUL2-BSCL2 readthrough (NMD candidate); minus strand). Cytogenetic location: 11q12.3.
Variant type: single nucleotide variant.
Coding change: c.773C>G on transcript NM_001122955.4 (MANE Select); coding-DNA position 773, C replaced by G.
Protein change: p.Pro258Arg; replaces proline 258 with arginine.
Molecular consequence: missense variant. On other transcripts: non-coding transcript variant (1).
Genome position (GRCh38, 1-based): chr11:62,692,466, G>C on the plus strand (C>G on the coding strand, the complement: BSCL2 is on the minus strand). VCF-style: chr11-62692466-G-C. GRCh37 (hg19) VCF-style: chr11-62459938-G-C.
Other names: c.581C>G, p.Pro194Arg (NM_001130702.2, NM_032667.6); c.773C>G, p.Pro258Arg (NM_001386027.1, NM_001386028.1); short protein forms P194R, P258R.
Identifiers: ClinVar variation 1707735 (VCV001707735.2), dbSNP rs769219167, ClinGen allele CA380962330.